The following is an entry in ClinVar:

NM_000059.4(BRCA2):c.4764C>T (p.Ala1588=)

Gene: BRCA2 (BRCA2 DNA repair associated; plus strand). Cytogenetic location: 13q13.1.
Variant type: single nucleotide variant.
Coding change: c.4764C>T on transcript NM_000059.4 (MANE Select); coding-DNA position 4764, C replaced by T.
Protein change: p.Ala1588=; no amino-acid change (alanine 1588 retained).
Molecular consequence: synonymous variant.
Genome position (GRCh38, 1-based): chr13:32,339,119, C>T. VCF-style: chr13-32339119-C-T. GRCh37 (hg19) VCF-style: chr13-32913256-C-T.
Identifiers: ClinVar variation 1049602 (VCV001049602.2), dbSNP rs2137509962, ClinGen allele CA483438225.

ClinVar aggregate classification (germline): Uncertain significance (0 of 4 stars; one submission).

Conditions:
Malignant tumor of breast. Also called: Malignant breast neoplasm; Cancer breast. Identifiers: MedGen C0006142, MONDO:0007254. Disease mechanism: loss of function.

Submission:

Department of Pathology and Laboratory Medicine, Sinai Health System
Classification: Uncertain significance for Malignant tumor of breast. Review status: no assertion criteria provided. Collection method: clinical testing. Allele origin: unknown. Affected: yes. Study: The Canadian Open Genetics Repository (COGR).
Comment: The BRCA2 p.Ala1588= variant was not identified in the literature, nor was it identified in dbSNP, the 1000 Genomes Project, the NHLBI Exome Sequencing Project, the Exome Aggregation Consortium, the genome Aggregation Database (beta), GeneInsight COGR, ClinVar, Clinvitae, COSMIC, MutDB, BRCA Share, BIC, ARUP Laboratories BRCA Mutations Database, the Fanconi Anemia Mutation Database (LOVD) or LOVD-IARC. The p.Ala1588Ala variant is not expected to have clinical significance because it does not result in a change of amino acid and is not located in a known consensus splice site. In addition, in silico or computational prediction software programs (SpliceSiteFinder, MaxEntScan, NNSPLICE, GeneSplicer, HumanSpliceFinder) do not predict a difference in splicing. In summary, based on the above information, the clinical significance of this variant cannot be determined with certainty at this time. This variant is classified as a variant of uncertain significance.